The following is an entry in ClinVar:

NM_001161352.2(KCNMA1):c.3302C>T (p.Ala1101Val)

Genes: KCNMA1 (potassium calcium-activated channel subfamily M alpha 1; minus strand), KCNMA1-AS1 (KCNMA1 antisense RNA 1; plus strand). Cytogenetic location: 10q22.3.
Variant type: single nucleotide variant.
Coding change: c.3302C>T on transcript NM_001161352.2 (MANE Select); coding-DNA position 3302, C replaced by T.
Protein change: p.Ala1101Val; replaces alanine 1101 with valine.
Molecular consequence: missense variant.
Genome position (GRCh38, 1-based): chr10:76,891,565, G>A on the plus strand (C>T on the coding strand, the complement: KCNMA1 is on the minus strand). VCF-style: chr10-76891565-G-A. GRCh37 (hg19) VCF-style: chr10-78651323-G-A.
Other names: c.3221C>T, p.Ala1074Val (NM_001322835.2, NM_001322837.2); c.3137C>T, p.Ala1046Val (NM_001322836.2, NM_001322829.2); c.3230C>T, p.Ala1077Val (NM_001322830.2); c.3128C>T, p.Ala1043Val (NM_001322832.2, NM_001410940.1, NM_002247.4); c.2675C>T, p.Ala892Val (NM_001322838.2); c.3140C>T, p.Ala1047Val (NM_001014797.3); c.3251C>T, p.Ala1084Val (NM_001161353.2); c.2978C>T, p.Ala993Val (NM_001271518.2); and 1 more; short protein forms A1074V, A1077V, A892V, A993V, A1046V, A1073V, A1084V, A1101V.
Identifiers: ClinVar variation 2044167 (VCV002044167.4), dbSNP rs2548187787, ClinGen allele CA377403363.

ClinVar aggregate classification (germline): Uncertain significance (1 of 4 stars; one submission).

Conditions:
Generalized epilepsy-paroxysmal dyskinesia syndrome (PNKD3). Also called: Generalized epilepsy and paroxysmal dyskinesia; Paroxysmal nonkinesigenic dyskinesia, 3, with or without generalized epilepsy. Identifiers: Orphanet 79137, MedGen C5574945, MONDO:0012276, OMIM 609446.

Submission:

Labcorp Genetics (formerly Invitae), Labcorp
Classification: Uncertain significance for Generalized epilepsy-paroxysmal dyskinesia syndrome. Last evaluated: 2022-08-16. Review status: criteria provided, single submitter. Criteria: Invitae Variant Classification Sherloc (09022015). Collection method: clinical testing. Allele origin: germline.
Comment: In summary, the available evidence is currently insufficient to determine the role of this variant in disease. Therefore, it has been classified as a Variant of Uncertain Significance. Algorithms developed to predict the effect of missense changes on protein structure and function are either unavailable or do not agree on the potential impact of this missense change (SIFT: "Deleterious"; PolyPhen-2: "Probably Damaging"; Align-GVGD: "Class C15"). This variant has not been reported in the literature in individuals affected with KCNMA1-related conditions. This variant is not present in population databases (gnomAD no frequency). This sequence change replaces alanine, which is neutral and non-polar, with valine, which is neutral and non-polar, at codon 1043 of the KCNMA1 protein (p.Ala1043Val).